The following is an entry in ClinVar:

ClinVar aggregate classification (germline): Uncertain significance (1 of 4 stars; one submission).

gnomAD v4.1: 1 of 1,613,090 alleles (0.000062%); highest among the groups gnomAD compares: East Asian, 0.0022%; no homozygotes.

Submission:

Labcorp Genetics (formerly Invitae), Labcorp
Classification: Uncertain significance. Last evaluated: 2022-08-22. Review status: criteria provided, single submitter. Criteria: Invitae Variant Classification Sherloc (09022015). Collection method: clinical testing. Allele origin: germline.
Comment: In summary, the available evidence is currently insufficient to determine the role of this variant in disease. Therefore, it has been classified as a Variant of Uncertain Significance. Algorithms developed to predict the effect of missense changes on protein structure and function are either unavailable or do not agree on the potential impact of this missense change (SIFT: "Deleterious"; PolyPhen-2: "Probably Damaging"; Align-GVGD: "Class C15"). This variant has not been reported in the literature in individuals affected with MKL1-related conditions. This variant is not present in population databases (gnomAD no frequency). This sequence change replaces proline, which is neutral and non-polar, with glutamine, which is neutral and polar, at codon 858 of the MKL1 protein (p.Pro858Gln).

NM_020831.6(MRTFA):c.2873C>A (p.Pro958Gln)

Gene: MRTFA (myocardin related transcription factor A; minus strand). Cytogenetic location: 22q13.1.
Variant type: single nucleotide variant.
Coding change: c.2873C>A on transcript NM_020831.6 (MANE Select); coding-DNA position 2873, C replaced by A.
Protein change: p.Pro958Gln; replaces proline 958 with glutamine.
Molecular consequence: missense variant. On other transcripts: 3 prime UTR variant (1).
Genome position (GRCh38, 1-based): chr22:40,411,613, G>T on the plus strand (C>A on the coding strand, the complement: MRTFA is on the minus strand). VCF-style: chr22-40411613-G-T. GRCh37 (hg19) VCF-style: chr22-40807617-G-T.
Other names: c.2573C>A, p.Pro858Gln (NM_001282660.2); c.2723C>A, p.Pro908Gln (NM_001282661.3); c.*186C>A (NM_001282662.3); c.2678C>A, p.Pro893Gln (NM_001318139.2); short protein forms P858Q, P908Q, P893Q, P958Q.
Identifiers: ClinVar variation 2025945 (VCV002025945.4), dbSNP rs143437226, ClinGen allele CA411652157.